The following is an entry in ClinVar:

ClinVar aggregate classification (germline): Uncertain significance (1 of 4 stars; one submission).

Allele frequency attached by ClinVar (database versions not stated): ExAC 0.00001; gnomAD 0.00001.
gnomAD v4.1: 38 of 1,614,098 alleles (0.0024%); highest among the groups gnomAD compares: Non-Finnish European, 0.0028%; no homozygotes.

Submission:

Labcorp Genetics (formerly Invitae), Labcorp
Classification: Uncertain significance. Last evaluated: 2022-04-23. Review status: criteria provided, single submitter. Criteria: Invitae Variant Classification Sherloc (09022015). Collection method: clinical testing. Allele origin: germline.
Comment: This sequence change replaces glycine, which is neutral and non-polar, with arginine, which is basic and polar, at codon 405 of the MBTPS1 protein (p.Gly405Arg). This variant is present in population databases (rs200492201, gnomAD 0.008%). This variant has not been reported in the literature in individuals affected with MBTPS1-related conditions. Algorithms developed to predict the effect of missense changes on protein structure and function are either unavailable or do not agree on the potential impact of this missense change (SIFT: "Tolerated"; PolyPhen-2: "Possibly Damaging"; Align-GVGD: "Class C0"). Algorithms developed to predict the effect of sequence changes on RNA splicing suggest that this variant may create or strengthen a splice site. In summary, the available evidence is currently insufficient to determine the role of this variant in disease. Therefore, it has been classified as a Variant of Uncertain Significance.

NM_003791.4(MBTPS1):c.1213G>C (p.Gly405Arg)

Gene: MBTPS1 (membrane bound transcription factor peptidase, site 1; minus strand). Cytogenetic location: 16q23.3.
Variant type: single nucleotide variant.
Coding change: c.1213G>C on transcript NM_003791.4 (MANE Select); coding-DNA position 1213, G replaced by C.
Protein change: p.Gly405Arg; replaces glycine 405 with arginine.
Molecular consequence: missense variant.
Genome position (GRCh38, 1-based): chr16:84,085,056, C>G on the plus strand (G>C on the coding strand, the complement: MBTPS1 is on the minus strand). VCF-style: chr16-84085056-C-G. GRCh37 (hg19) VCF-style: chr16-84118661-C-G.
Other names: short protein forms G405R.
Identifiers: ClinVar variation 1911397 (VCV001911397.3), dbSNP rs200492201, ClinGen allele CA8201411.
Genomic context (GRCh38, chr16:84,085,056, plus strand): 5'-TGACAGCACCTGCAACCACTGGAGAAGCAACACTGGTCCCTGAGAGGGCCCGGCACCCCC[C>G]TTTCACGCCAGAACCCCGCACGCCAGCACCATAGGTGACAATGTCAGGTTTCATGCGACC-3'
Protein context (NP_003782.1, residues 395-415): GAGVRGSGVK[Gly405Arg]GCRALSGTSV